The following is an entry in ClinVar:

NM_006214.4(PHYH):c.674G>T (p.Trp225Leu)

Gene: PHYH (phytanoyl-CoA 2-hydroxylase; minus strand). Cytogenetic location: 10p13.
Variant type: single nucleotide variant.
Coding change: c.674G>T on transcript NM_006214.4 (MANE Select); coding-DNA position 674, G replaced by T.
Protein change: p.Trp225Leu; replaces tryptophan 225 with leucine.
Molecular consequence: missense variant. On other transcripts: intron variant (1).
Genome position (GRCh38, 1-based): chr10:13,288,364, C>A on the plus strand (G>T on the coding strand, the complement: PHYH is on the minus strand). VCF-style: chr10-13288364-C-A. GRCh37 (hg19) VCF-style: chr10-13330364-C-A.
Other names: c.374G>T, p.Trp125Leu (NM_001037537.2, NM_001323080.2); c.680G>T, p.Trp227Leu (NM_001323082.2); c.380G>T, p.Trp127Leu (NM_001323084.2); c.415-4525G>T (NM_001323083.2); short protein forms W125L, W127L, W225L, W227L.
Identifiers: ClinVar variation 1052877 (VCV001052877.10), dbSNP rs1835606985, ClinGen allele CA376035135.

ClinVar aggregate classification (germline): Uncertain significance (1 of 4 stars; one submission).

Submission:

Labcorp Genetics (formerly Invitae), Labcorp
Classification: Uncertain significance. Last evaluated: 2022-06-13. Review status: criteria provided, single submitter. Criteria: Invitae Variant Classification Sherloc (09022015). Collection method: clinical testing. Allele origin: germline.
Comment: In summary, the available evidence is currently insufficient to determine the role of this variant in disease. Therefore, it has been classified as a Variant of Uncertain Significance. Algorithms developed to predict the effect of missense changes on protein structure and function (SIFT, PolyPhen-2, Align-GVGD) all suggest that this variant is likely to be disruptive. ClinVar contains an entry for this variant (Variation ID: 1052877). This variant has not been reported in the literature in individuals affected with PHYH-related conditions. This variant is not present in population databases (gnomAD no frequency). This sequence change replaces tryptophan, which is neutral and slightly polar, with leucine, which is neutral and non-polar, at codon 225 of the PHYH protein (p.Trp225Leu).